The following is an entry in ClinVar:

NM_003995.4(NPR2):c.725G>A (p.Arg242Lys)

Gene: NPR2 (natriuretic peptide receptor 2; plus strand). Cytogenetic location: 9p13.3.
Variant type: single nucleotide variant.
Coding change: c.725G>A on transcript NM_003995.4 (MANE Select); coding-DNA position 725, G replaced by A.
Protein change: p.Arg242Lys; replaces arginine 242 with lysine.
Molecular consequence: missense variant.
Genome position (GRCh38, 1-based): chr9:35,793,955, G>A. VCF-style: chr9-35793955-G-A. GRCh37 (hg19) VCF-style: chr9-35793952-G-A.
Other names: c.725G>A, p.Arg242Lys (NM_001378923.1); short protein forms R242K.
Identifiers: ClinVar variation 366781 (VCV000366781.15), dbSNP rs774099913, ClinGen allele CA5051505.
Genomic context (GRCh38, chr9:35,793,955, plus strand): 5'-CAGTTGTGTATATCTGCGGCCCTCTGGAGATGCTGCATGAGATCCTGCTTCAGGCCCAGA[G>A]GGAGAATCTGACCAATGGGGATTATGTCTTCTTTTACCTGGATGTCTTTGGGGAGAGTCT-3'
Protein context (NP_003986.2, residues 232-252): MLHEILLQAQ[Arg242Lys]ENLTNGDYVF

ClinVar aggregate classification (germline): Uncertain significance. Review status: criteria provided, multiple submitters, no conflicts (2 of 4 stars). 3 submissions from 3 submitters: Uncertain significance (3). Last evaluated 2025-04-13.

Conditions:
Acromesomelic dysplasia 1, Maroteaux type (AMD1). Also called: ST. HELENA DYSPLASIA; ACROMESOMELIC DYSPLASIA 1. Identifiers: Orphanet 40, MedGen C1864356, MONDO:0011275, OMIM 602875.
Inborn genetic diseases. Identifiers: MedGen C0950123, MeSH D030342.
Tall stature-scoliosis-macrodactyly of the great toes syndrome. Also called: Epiphyseal chondrodysplasia, miura type. Identifiers: Orphanet 329191, MedGen C4014690, MONDO:0014401, OMIM 615923.

Allele frequency attached by ClinVar (database versions not stated): TOPMed 0.00002; ExAC 0.00003; gnomAD 0.00003; gnomAD exomes 0.00003 and 0.00006.
gnomAD v4.1: 95 of 1,614,074 alleles (0.0059%); highest among the groups gnomAD compares: Non-Finnish European, 0.0078%; no homozygotes.

Submissions (3):

Labcorp Genetics (formerly Invitae), Labcorp
Classification: Uncertain significance for Tall stature-scoliosis-macrodactyly of the great toes syndrome; Acromesomelic dysplasia 1, Maroteaux type. Last evaluated: 2025-04-13. Review status: criteria provided, single submitter. Criteria: Invitae Variant Classification Sherloc (09022015). Collection method: clinical testing. Allele origin: germline.
Comment: This sequence change replaces arginine, which is basic and polar, with lysine, which is basic and polar, at codon 242 of the NPR2 protein (p.Arg242Lys). This variant is present in population databases (rs774099913, gnomAD 0.006%). This variant has not been reported in the literature in individuals affected with NPR2-related conditions. ClinVar contains an entry for this variant (Variation ID: 366781). Invitae Evidence Modeling of protein sequence and biophysical properties (such as structural, functional, and spatial information, amino acid conservation, physicochemical variation, residue mobility, and thermodynamic stability) indicates that this missense variant is not expected to disrupt NPR2 protein function with a negative predictive value of 80%. In summary, the available evidence is currently insufficient to determine the role of this variant in disease. Therefore, it has been classified as a Variant of Uncertain Significance.

Ambry Genetics
Classification: Uncertain significance for Inborn genetic diseases. Last evaluated: 2022-12-01. Review status: criteria provided, single submitter. Criteria: Ambry Variant Classification Scheme 2023. Collection method: clinical testing. Allele origin: germline.

Illumina Laboratory Services, Illumina
Classification: Uncertain significance for Acromesomelic dysplasia 1, Maroteaux type. Last evaluated: 2018-01-12. Review status: criteria provided, single submitter. Criteria: ICSL Variant Classification Criteria 13 December 2019. Collection method: clinical testing. Allele origin: germline.